The following is an entry in ClinVar:

ClinVar aggregate classification (germline): Uncertain significance (1 of 4 stars; one submission).

gnomAD v4.1: 58 of 1,562,892 alleles (0.0037%); highest among the groups gnomAD compares: Middle Eastern, 0.017%; no homozygotes.

Submission:

Labcorp Genetics (formerly Invitae), Labcorp
Classification: Uncertain significance. Last evaluated: 2025-11-12. Review status: criteria provided, single submitter. Criteria: Invitae Variant Classification Sherloc (09022015). Collection method: clinical testing. Allele origin: germline.
Comment: This sequence change replaces serine, which is neutral and polar, with leucine, which is neutral and non-polar, at codon 825 of the CASZ1 protein (p.Ser825Leu). This variant is present in population databases (rs747370682, gnomAD 0.006%). This variant has not been reported in the literature in individuals affected with CASZ1-related conditions. An algorithm developed to predict the effect of missense changes on protein structure and function (PolyPhen-2) suggests that this variant is likely to be disruptive. In summary, the available evidence is currently insufficient to determine the role of this variant in disease. Therefore, it has been classified as a Variant of Uncertain Significance.

NM_001079843.3(CASZ1):c.2474C>T (p.Ser825Leu)

Gene: CASZ1 (castor zinc finger 1; minus strand). Cytogenetic location: 1p36.22.
Variant type: single nucleotide variant.
Coding change: c.2474C>T on transcript NM_001079843.3 (MANE Select); coding-DNA position 2474, C replaced by T.
Protein change: p.Ser825Leu; replaces serine 825 with leucine.
Molecular consequence: missense variant.
Genome position (GRCh38, 1-based): chr1:10,653,583, G>A on the plus strand (C>T on the coding strand, the complement: CASZ1 is on the minus strand). VCF-style: chr1-10653583-G-A. GRCh37 (hg19) VCF-style: chr1-10713640-G-A.
Other names: c.2474C>T, p.Ser825Leu (NM_017766.5); short protein forms S825L.
Identifiers: ClinVar variation 4754570 (VCV004754570.1).